The following is an entry in ClinVar:

NM_001267550.2(TTN):c.104005G>A (p.Asp34669Asn)

Genes: TTN (titin; minus strand), TTN-AS1 (TTN antisense RNA 1; plus strand). Cytogenetic location: 2q31.2.
Variant type: single nucleotide variant.
Coding change: c.104005G>A on transcript NM_001267550.2 (MANE Select); coding-DNA position 104005, G replaced by A.
Protein change: p.Asp34669Asn; replaces aspartic acid 34669 with asparagine.
Molecular consequence: missense variant.
Genome position (GRCh38, 1-based): chr2:178,532,610, C>T on the plus strand (G>A on the coding strand, the complement: TTN is on the minus strand). VCF-style: chr2-178532610-C-T. GRCh37 (hg19) VCF-style: chr2-179397337-C-T.
Other names: c.99082G>A, p.Asp33028Asn (NM_001256850.1); c.76810G>A, p.Asp25604Asn (NM_003319.4); c.96301G>A, p.Asp32101Asn (NM_133378.4); c.77185G>A, p.Asp25729Asn (NM_133432.3); c.77386G>A, p.Asp25796Asn (NM_133437.4); short protein forms D25729N, D25796N, D32101N, D34669N, D25604N, D33028N.
Identifiers: ClinVar variation 665303 (VCV000665303.52), dbSNP rs1430662349, ClinGen allele CA349412766.

ClinVar aggregate classification (germline): Uncertain significance. Review status: criteria provided, multiple submitters, no conflicts (2 of 4 stars). 4 submissions from 4 submitters: Uncertain significance (4). Last evaluated 2025-08-25.

Conditions:
Cardiovascular phenotype. Identifiers: MedGen CN230736.
Dilated cardiomyopathy 1G (CMD1G). Identifiers: Orphanet 154, MedGen C1858763, MONDO:0011400, OMIM 604145.
Autosomal recessive limb-girdle muscular dystrophy type 2J (LGMDR10). Also called: Limb-girdle muscular dystrophy, type 2J; MUSCULAR DYSTROPHY, LIMB-GIRDLE, AUTOSOMAL RECESSIVE 10. Identifiers: Orphanet 140922, MedGen C1837342, MONDO:0012127, OMIM 608807.
Tibial muscular dystrophy (TMD). Also called: UDD MYOPATHY; Tibial muscular dystrophy, tardive; Udd Distal Myopathy – Tibial Muscular Dystrophy. Identifiers: Orphanet 609, MedGen C1838244, MONDO:0010870, OMIM 600334.
Myopathy, myofibrillar, 9, with early respiratory failure (MFM9). Also called: MYOPATHY, PROXIMAL, WITH EARLY RESPIRATORY MUSCLE INVOLVEMENT; Hereditary myopathy with early respiratory failure; Myopathy, distal, with early respiratory failure, autosomal dominant; EDSTROM MYOPATHY. Identifiers: Orphanet 178464, Orphanet 34521, MedGen C1863599, MONDO:0011362, OMIM 603689.
Hypertrophic cardiomyopathy 9. Also called: Familial hypertrophic cardiomyopathy 9. Identifiers: MedGen C1861065, MONDO:0013412, OMIM 613765.
Early-onset myopathy with fatal cardiomyopathy (CMYO5). Also called: CONGENITAL MYOPATHY 5 WITH CARDIOMYOPATHY; Salih Myopathy. Identifiers: Orphanet 289377, MedGen C2673677, MONDO:0012714, OMIM 611705. Disease mechanism: loss of function.

Allele frequency attached by ClinVar (database versions not stated): gnomAD exomes below 0.00001 and 0.00001; gnomAD 0.00001; TOPMed 0.00002.
gnomAD v4.1: 10 of 1,613,786 alleles (0.00062%); highest among the groups gnomAD compares: Non-Finnish European, 0.00085%; no homozygotes.

Submissions (4):

Labcorp Genetics (formerly Invitae), Labcorp
Classification: Uncertain significance for Dilated cardiomyopathy 1G; Autosomal recessive limb-girdle muscular dystrophy type 2J. Last evaluated: 2025-08-25. Review status: criteria provided, single submitter. Criteria: Invitae Variant Classification Sherloc (09022015). Collection method: clinical testing. Allele origin: germline.
Comment: This sequence change replaces aspartic acid, which is acidic and polar, with asparagine, which is neutral and polar, at codon 34669 of the TTN protein (p.Asp34669Asn). This variant is present in population databases (no rsID available, gnomAD 0.0009%). This variant has not been reported in the literature in individuals affected with TTN-related conditions. ClinVar contains an entry for this variant (Variation ID: 665303). Experimental studies and prediction algorithms are not available or were not evaluated, and the functional significance of this variant is currently unknown. This variant is located in the M band of TTN (PMID: 25589632). Non-truncating variants in this region may be relevant for neuromuscular disorders, but have not been definitively shown to cause cardiomyopathy (PMID: 23975875). In summary, the available evidence is currently insufficient to determine the role of this variant in disease. Therefore, it has been classified as a Variant of Uncertain Significance.

CeGaT Center for Human Genetics Tuebingen
Classification: Uncertain significance. Last evaluated: 2023-11-01. Review status: criteria provided, single submitter. Criteria: CeGaT Center For Human Genetics Tuebingen Variant Classification Criteria Version 2. Collection method: clinical testing. Allele origin: germline. Affected: yes. Observed: 2 variant alleles.
Comment: TTN: PM2

Fulgent Genetics
Classification: Uncertain significance for Tibial muscular dystrophy; Myopathy, myofibrillar, 9, with early respiratory failure; Dilated cardiomyopathy 1G; Autosomal recessive limb-girdle muscular dystrophy type 2J; Early-onset myopathy with fatal cardiomyopathy; Hypertrophic cardiomyopathy 9. Last evaluated: 2021-08-26. Review status: criteria provided, single submitter. Criteria: ACMG Guidelines, 2015. Collection method: clinical testing. Allele origin: unknown.

Ambry Genetics
Classification: Uncertain significance for Cardiovascular phenotype. Last evaluated: 2019-05-30. Review status: criteria provided, single submitter. Criteria: Ambry Variant Classification Scheme 2023. Collection method: clinical testing. Allele origin: germline.
Comment: The p.D25604N variant (also known as c.76810G>A), located in coding exon 185 of the TTN gene, results from a G to A substitution at nucleotide position 76810. The aspartic acid at codon 25604 is replaced by asparagine, an amino acid with highly similar properties. This amino acid position is well conserved in available vertebrate species; however, asparagine is the reference amino acid in other vertebrate species. In addition, this alteration is predicted to be tolerated by in silico analysis. Since supporting evidence is limited at this time, the clinical significance of this alteration remains unclear.

Literature cited by the submitters: PubMed 25589632 (cited by Labcorp Genetics (formerly Invitae), Labcorp); PubMed 23975875 (cited by Labcorp Genetics (formerly Invitae), Labcorp).